The following is an entry in ClinVar:

NM_006254.4(PRKCD):c.788-1G>T

Gene: PRKCD (protein kinase C delta; plus strand). Cytogenetic location: 3p21.1.
Variant type: single nucleotide variant.
Coding change: c.788-1G>T on transcript NM_006254.4 (MANE Select); the canonical splice acceptor site of the intron before coding-DNA position 788, G replaced by T.
Molecular consequence: splice acceptor variant.
Genome position (GRCh38, 1-based): chr3:53,184,873, G>T. VCF-style: chr3-53184873-G-T. GRCh37 (hg19) VCF-style: chr3-53218889-G-T.
Other names: c.788-1G>T (NM_001354680.2, NM_001354679.2, NM_212539.2 and 1 more transcripts); c.845-1G>T (NM_001354676.2); c.836-1G>T (NM_001354678.2).
Identifiers: ClinVar variation 2068571 (VCV002068571.4), dbSNP rs2471094850, ClinGen allele CA353220292.

ClinVar aggregate classification (germline): Likely pathogenic (1 of 4 stars; one submission).

Conditions:
Autoimmune lymphoproliferative syndrome, type III caused by mutation in PRKCD. Identifiers: Orphanet 3261, Orphanet 664711, MedGen C3809928, MONDO:8000024, OMIM 615559.

Submission:

Labcorp Genetics (formerly Invitae), Labcorp
Classification: Likely pathogenic for Autoimmune lymphoproliferative syndrome, type III caused by mutation in PRKCD. Last evaluated: 2022-08-15. Review status: criteria provided, single submitter. Criteria: Invitae Variant Classification Sherloc (09022015). Collection method: clinical testing. Allele origin: germline.
Comment: In summary, the currently available evidence indicates that the variant is pathogenic, but additional data are needed to prove that conclusively. Therefore, this variant has been classified as Likely Pathogenic. Algorithms developed to predict the effect of sequence changes on RNA splicing suggest that this variant may disrupt the consensus splice site. This sequence change affects an acceptor splice site in intron 9 of the PRKCD gene. It is expected to disrupt RNA splicing. Variants that disrupt the donor or acceptor splice site typically lead to a loss of protein function (PMID: 16199547), and loss-of-function variants in PRKCD are known to be pathogenic (PMID: 11976687, 23319571, 23430113). This variant is not present in population databases (gnomAD no frequency). This variant has not been reported in the literature in individuals affected with PRKCD-related conditions.

Literature cited by the submitters: PubMed 16199547; PubMed 11976687; PubMed 23319571; PubMed 23430113.